The following is an entry in ClinVar:

NM_016180.5(SLC45A2):c.1031A>G (p.Gln344Arg)

Gene: SLC45A2 (solute carrier family 45 member 2; minus strand). Cytogenetic location: 5p13.2.
Variant type: single nucleotide variant.
Coding change: c.1031A>G on transcript NM_016180.5 (MANE Select); coding-DNA position 1031, A replaced by G.
Protein change: p.Gln344Arg; replaces glutamine 344 with arginine.
Molecular consequence: missense variant. On other transcripts: synonymous variant (1).
Genome position (GRCh38, 1-based): chr5:33,954,362, T>C on the plus strand (A>G on the coding strand, the complement: SLC45A2 is on the minus strand). VCF-style: chr5-33954362-T-C. GRCh37 (hg19) VCF-style: chr5-33954467-T-C.
Other names: c.1031A>G, p.Gln344Arg (NM_001012509.4); c.705A>G, p.Pro235= (NM_001297417.4); short protein forms Q344R.
Identifiers: ClinVar variation 1522992 (VCV001522992.6), dbSNP rs2111926839, ClinGen allele CA359390393.

ClinVar aggregate classification (germline): Uncertain significance (1 of 4 stars; one submission).

Allele frequency attached by ClinVar (database versions not stated): gnomAD exomes below 0.00001.
gnomAD v4.1: 3 of 1,614,044 alleles (0.00019%); highest among the groups gnomAD compares: Non-Finnish European, 0.00017%; no homozygotes.

Submission:

Labcorp Genetics (formerly Invitae), Labcorp
Classification: Uncertain significance. Last evaluated: 2024-07-09. Review status: criteria provided, single submitter. Criteria: Invitae Variant Classification Sherloc (09022015). Collection method: clinical testing. Allele origin: germline.
Comment: This sequence change replaces glutamine, which is neutral and polar, with arginine, which is basic and polar, at codon 344 of the SLC45A2 protein (p.Gln344Arg). This variant is not present in population databases (gnomAD no frequency). This variant has not been reported in the literature in individuals affected with SLC45A2-related conditions. ClinVar contains an entry for this variant (Variation ID: 1522992). An algorithm developed to predict the effect of missense changes on protein structure and function outputs the following: PolyPhen-2: "Benign". The arginine amino acid residue is found in multiple mammalian species, which suggests that this missense change does not adversely affect protein function. In summary, the available evidence is currently insufficient to determine the role of this variant in disease. Therefore, it has been classified as a Variant of Uncertain Significance.